The following is an entry in ClinVar:

ClinVar aggregate classification (germline): Uncertain significance. Review status: criteria provided, multiple submitters, no conflicts (2 of 4 stars). 2 submissions from 2 submitters: Uncertain significance (2). Last evaluated 2024-09-10.

Conditions:
Juvenile myelomonocytic leukemia (JMML). Also called: LEUKEMIA, JUVENILE MYELOMONOCYTIC, SOMATIC. Identifiers: Orphanet 86834, MedGen C0349639, MONDO:0011908, OMIM 607785, HP:0012209.
Metachondromatosis (METCDS). Identifiers: Orphanet 2499, MedGen C0410530, MONDO:0007979, OMIM 156250.
Noonan syndrome 1 (NS1). Also called: PTPN11-Related Noonan Syndrome; FEMALE PSEUDO-TURNER SYNDROME; TURNER PHENOTYPE WITH NORMAL KARYOTYPE. Identifiers: Orphanet 648, MedGen C4551602, MONDO:0008104, OMIM 163950. Disease mechanism: gain of function.
LEOPARD syndrome 1 (LPRD1). Also called: LENTIGINOSIS, CARDIOMYOPATHIC; MULTIPLE LENTIGINES SYNDROME; PTPN11-Related LEOPARD Syndrome. Identifiers: Orphanet 500, MedGen C4551484, MONDO:0100082, OMIM 151100.
RASopathy. Also called: rasopathies; Noonan spectrum disorder. Identifiers: Orphanet 536391, MedGen C5555857, MONDO:0021060.

Submissions (2):

Labcorp Genetics (formerly Invitae), Labcorp
Classification: Uncertain significance for RASopathy. Last evaluated: 2024-09-10. Review status: criteria provided, single submitter. Criteria: Invitae Variant Classification Sherloc (09022015). Collection method: clinical testing. Allele origin: germline.
Comment: This sequence change replaces methionine, which is neutral and non-polar, with isoleucine, which is neutral and non-polar, at codon 171 of the PTPN11 protein (p.Met171Ile). This variant is not present in population databases (gnomAD no frequency). This variant has not been reported in the literature in individuals affected with PTPN11-related conditions. Invitae Evidence Modeling of protein sequence and biophysical properties (such as structural, functional, and spatial information, amino acid conservation, physicochemical variation, residue mobility, and thermodynamic stability) indicates that this missense variant is expected to disrupt PTPN11 protein function with a positive predictive value of 95%. In summary, the available evidence is currently insufficient to determine the role of this variant in disease. Therefore, it has been classified as a Variant of Uncertain Significance.

Fulgent Genetics
Classification: Uncertain significance for LEOPARD syndrome 1; Metachondromatosis; Noonan syndrome 1; Juvenile myelomonocytic leukemia. Last evaluated: 2024-05-11. Review status: criteria provided, single submitter. Criteria: ACMG Guidelines, 2015. Collection method: clinical testing. Allele origin: germline.

NM_002834.5(PTPN11):c.513G>C (p.Met171Ile)

Gene: PTPN11 (protein tyrosine phosphatase non-receptor type 11; plus strand). Cytogenetic location: 12q24.13.
Variant type: single nucleotide variant.
Coding change: c.513G>C on transcript NM_002834.5 (MANE Select); coding-DNA position 513, G replaced by C.
Protein change: p.Met171Ile; replaces methionine 171 with isoleucine.
Molecular consequence: missense variant.
Genome position (GRCh38, 1-based): chr12:112,453,375, G>C. VCF-style: chr12-112453375-G-C. GRCh37 (hg19) VCF-style: chr12-112891179-G-C.
Other names: c.513G>C, p.Met171Ile (NM_001330437.2, NM_080601.3); c.510G>C, p.Met170Ile (NM_001374625.1); short protein forms M170I, M171I.
Identifiers: ClinVar variation 3574260 (VCV003574260.3).